The following is an entry in ClinVar:

ClinVar aggregate classification (germline): Pathogenic. Review status: criteria provided, multiple submitters, no conflicts (2 of 4 stars). 2 submissions from 2 submitters: Pathogenic (2). Last evaluated 2025-10-21.

Conditions:
Neurofibromatosis, type 1 (NF1). Also called: Peripheral type neurofibromatosis; Neurofibromatosis, type I; NEUROFIBROMATOSIS, TYPE I, SOMATIC; VON RECKLINGHAUSEN DISEASE. Identifiers: Orphanet 636, MedGen C0027831, MONDO:0018975, OMIM 162200. Disease mechanism: loss of function.

Submissions (2):

Labcorp Genetics (formerly Invitae), Labcorp
Classification: Pathogenic for Neurofibromatosis, type 1. Last evaluated: 2025-10-21. Review status: criteria provided, single submitter. Criteria: Invitae Variant Classification Sherloc (09022015). Collection method: clinical testing. Allele origin: germline.
Comment: This sequence change falls in intron 11 of the NF1 gene. It does not directly change the encoded amino acid sequence of the NF1 protein. RNA analysis indicates that this variant induces altered splicing and may result in an absent or altered protein product. This variant is not present in population databases (gnomAD no frequency). This variant has been observed in individual(s) with clinical features of neurofibromatosis type 1 (PMID: 32126153; internal data). In at least one individual the variant was observed to be de novo. ClinVar contains an entry for this variant (Variation ID: 816752). Studies have shown that this variant results in activation of a cryptic splice site, and produces a non-functional protein and/or introduces a premature termination codon (PMID: 32126153). For these reasons, this variant has been classified as Pathogenic.

UAB Medical Genomics Laboratory, UAB Medicine
Classification: Pathogenic for Neurofibromatosis, type 1. Last evaluated: 2020-01-20. Review status: criteria provided, single submitter. Criteria: ACMG Guidelines, 2015. Collection method: clinical testing. Allele origin: germline. Affected: yes.

Literature cited by the submitters: PubMed 32126153 (cited by Labcorp Genetics (formerly Invitae), Labcorp and UAB Medical Genomics Laboratory, UAB Medicine).

NM_001042492.3(NF1):c.1261-21T>G

Gene: NF1 (neurofibromin 1; plus strand). Cytogenetic location: 17q11.2.
Variant type: single nucleotide variant.
Coding change: c.1261-21T>G on transcript NM_001042492.3 (MANE Select); 21 bases into the intron before coding-DNA position 1261, T replaced by G.
Molecular consequence: intron variant.
Genome position (GRCh38, 1-based): chr17:31,206,219, T>G. VCF-style: chr17-31206219-T-G. GRCh37 (hg19) VCF-style: chr17-29533237-T-G.
Other names: c.1261-21T>G (NM_000267.4, NM_001128147.3).
Identifiers: ClinVar variation 816752 (VCV000816752.3), dbSNP rs1597688656, ClinGen allele CA915949683.
Genomic context (GRCh38, chr17:31,206,219, plus strand): 5'-TTAAAACTACAGTGATAAACAGAGCATACAACTCACGTAATTTTGTACTTTTTCTTCCTA[T>G]TGGTCTTTGTTTTTCTCTAGTCCGCATTGGATTGGTGGCCTAAGATTGATGCTGTGTATT-3'